The following is an entry in ClinVar:

ClinVar aggregate classification (germline): Uncertain significance (1 of 4 stars; one submission).

Allele frequency attached by ClinVar (database versions not stated): gnomAD 0.00001.
gnomAD v4.1: 1 of 1,614,018 alleles (0.000062%); highest among the groups gnomAD compares: Non-Finnish European, 0.000085%; no homozygotes.

Submission:

Labcorp Genetics (formerly Invitae), Labcorp
Classification: Uncertain significance. Last evaluated: 2022-08-20. Review status: criteria provided, single submitter. Criteria: Invitae Variant Classification Sherloc (09022015). Collection method: clinical testing. Allele origin: germline.
Comment: In summary, the available evidence is currently insufficient to determine the role of this variant in disease. Therefore, it has been classified as a Variant of Uncertain Significance. Algorithms developed to predict the effect of missense changes on protein structure and function are either unavailable or do not agree on the potential impact of this missense change (SIFT: "Deleterious"; PolyPhen-2: "Benign"; Align-GVGD: "Class C15"). ClinVar contains an entry for this variant (Variation ID: 1524007). This variant has not been reported in the literature in individuals affected with KLHL7-related conditions. This variant is not present in population databases (gnomAD no frequency). This sequence change replaces threonine, which is neutral and polar, with isoleucine, which is neutral and non-polar, at codon 550 of the KLHL7 protein (p.Thr550Ile).

NM_001031710.3(KLHL7):c.1649C>T (p.Thr550Ile)

Gene: KLHL7 (kelch like family member 7; plus strand). Cytogenetic location: 7p15.3.
Variant type: single nucleotide variant.
Coding change: c.1649C>T on transcript NM_001031710.3 (MANE Select); coding-DNA position 1649, C replaced by T.
Protein change: p.Thr550Ile; replaces threonine 550 with isoleucine.
Molecular consequence: missense variant. On other transcripts: non-coding transcript variant (1).
Genome position (GRCh38, 1-based): chr7:23,174,186, C>T. VCF-style: chr7-23174186-C-T. GRCh37 (hg19) VCF-style: chr7-23213805-C-T.
Other names: c.1505C>T, p.Thr502Ile (NM_018846.5); short protein forms T550I, T502I.
Identifiers: ClinVar variation 1524007 (VCV001524007.6), dbSNP rs1562596299, ClinGen allele CA366982728.
Genomic context (GRCh38, chr7:23,174,186, plus strand): 5'-TTTATGTCTTGGCTGGTTTTCAGGGTGTTGGTCGATTAGGACACATTCTCGAATATAATA[C>T]CGAAACAGACAAATGGGTTGCCAACTCCAAAGTTCGTGCTTTTCCAGTCACAAGTTGTTT-3'
Protein context (NP_001026880.2, residues 540-560): GRLGHILEYN[Thr550Ile]ETDKWVANSK